The following is an entry in ClinVar:

NM_152219.4(GJD3):c.758G>C (p.Arg253Pro)

Genes: GJD3 (gap junction protein delta 3; minus strand), GJD3-AS1 (GJD3 antisense RNA 1; plus strand). Cytogenetic location: 17q21.2.
Variant type: single nucleotide variant.
Coding change: c.758G>C on transcript NM_152219.4 (MANE Select); coding-DNA position 758, G replaced by C.
Protein change: p.Arg253Pro; replaces arginine 253 with proline.
Molecular consequence: missense variant. On other transcripts: non-coding transcript variant (1).
Genome position (GRCh38, 1-based): chr17:40,363,058, C>G on the plus strand (G>C on the coding strand, the complement: GJD3 is on the minus strand). VCF-style: chr17-40363058-C-G. GRCh37 (hg19) VCF-style: chr17-38519310-C-G.
Other names: short protein forms R253P.
Identifiers: ClinVar variation 3387757 (VCV003387757.2).

ClinVar aggregate classification (germline): Likely benign (1 of 4 stars; one submission).

Conditions:
Meniere disease. Also called: Ménière's disease. Identifiers: MedGen C0025281, MONDO:0007972, OMIM 156000.

Submission:

Meniere Disease Neuroscience Research Program, Faculty of Medicine and Health, Kolling Institute, The University of Sydney
Classification: Likely benign for Meniere disease. Last evaluated: 2024-01-09. Review status: criteria provided, single submitter. Criteria: ACMG Guidelines, 2015. Collection method: research. Allele origin: germline. Affected: yes. Observed: 18 variant alleles.
Comment: The NC_000017.11:g.40363058C>G, is a missense variant in GJD3 gene which produces an amino acid change from arginine to proline in the cytoplasmatic region of the connexon. The variant is part of an haplotype involved in Meniere’s Disease, composed by g.40356228C>T, g.40363058C>G, g.40363293G>A, g.40363294C>G and g.40363579G>T. The haplotype was found in 10 individuals with familial Meniere’s Disease, segregating in 3 of these families (PP1); and in another 8 individuals with sporadic Meniere’s Disease. GnomAD exomes allele frequency = 0.0223 is greater than 0.0001 (BS1); however, the frequency of the haplotype for the Iberian population in Spain is 0.0093. The variant was observed in healthy adults in gnomAD (BS2). The MetaRNN value of the variant is 0.0041 (BP4). In summary, this variant meets the criteria to be classified as likely benign based on the ACMG/AMP criteria applied: PP1,BS1,BS2,BP4.